The following is an entry in ClinVar:

ClinVar aggregate classification (germline): Likely benign. Review status: criteria provided, multiple submitters, no conflicts (2 of 4 stars). 5 submissions from 5 submitters: Likely benign (5). Last evaluated 2025-12-29.

Conditions:
FLNA-related disorder.
Familial thoracic aortic aneurysm and aortic dissection (TAAD). Also called: Thoracic aortic aneurysms and dissections. Identifiers: Orphanet 91387, MedGen C4707243, MONDO:0019625.
Frontometaphyseal dysplasia (FMD1). Identifiers: Orphanet 1826, MedGen C0265293, MONDO:0015942.
Oto-palato-digital syndrome, type II (OPD2). Also called: FACIOPALATOOSSEOUS SYNDROME; Otopalatodigital Syndrome, Type II; OPD II SYNDROME; Otopalatodigital Syndrome Type 2 (FLNA-OPD2). Identifiers: Orphanet 669, Orphanet 90652, MedGen C1844696, MONDO:0010571, OMIM 304120.
Heterotopia, periventricular, X-linked dominant (PVNH1). Also called: PERIVENTRICULAR NODULAR HETEROTOPIA 4; HETEROTOPIA, PERIVENTRICULAR, 1; PERIVENTRICULAR NODULAR HETEROTOPIA 1; X-linked periventricular heterotopia. Identifiers: Orphanet 2149, Orphanet 82004, MedGen C1848213, MONDO:0010233, OMIM 300049.
Melnick-Needles syndrome (MNS). Also called: MELNICK-NEEDLES OSTEODYSPLASTY; OSTEODYSPLASTY OF MELNICK AND NEEDLES; Melnick-Needles Syndrome (FLNA-MNS). Identifiers: Orphanet 2484, MedGen C0025237, MONDO:0010650, OMIM 309350.

Allele frequency attached by ClinVar (database versions not stated): TOPMed 0.00003.
gnomAD v4.1: 12 of 1,209,660 alleles (0.00099%); highest among the groups gnomAD compares: Non-Finnish European, 0.0012%; no homozygotes.

Submissions (5):

Labcorp Genetics (formerly Invitae), Labcorp
Classification: Likely benign for Oto-palato-digital syndrome, type II; Heterotopia, periventricular, X-linked dominant; Frontometaphyseal dysplasia; Melnick-Needles syndrome. Last evaluated: 2025-12-29. Review status: criteria provided, single submitter. Criteria: Invitae Variant Classification Sherloc (09022015). Collection method: clinical testing. Allele origin: germline.

PreventionGenetics, part of Exact Sciences
Classification: Likely benign for FLNA-related condition. Last evaluated: 2025-07-21. Review status: criteria provided, single submitter. Criteria: ACMG Guidelines, 2015. Collection method: clinical testing. Allele origin: germline.
Comment: This variant is classified as likely benign based on ACMG/AMP sequence variant interpretation guidelines (Richards et al. 2015 PMID: 25741868, with internal and published modifications).

Blueprint Genetics
Classification: Likely benign. Last evaluated: 2024-07-30. Review status: criteria provided, single submitter. Criteria: ACMG Guidelines, 2015. Collection method: clinical testing. Allele origin: germline.

Ambry Genetics
Classification: Likely benign for Familial thoracic aortic aneurysm and aortic dissection. Last evaluated: 2020-12-26. Review status: criteria provided, single submitter. Criteria: Ambry Variant Classification Scheme 2023. Collection method: clinical testing. Allele origin: germline.

GeneDx
Classification: Likely benign. Last evaluated: 2019-04-09. Review status: criteria provided, single submitter. Criteria: GeneDx Variant Classification Process June 2021. Collection method: clinical testing. Allele origin: germline. Affected: yes.

NM_001110556.2(FLNA):c.4710C>A (p.Ile1570=)

Gene: FLNA (filamin A; minus strand). Cytogenetic location: Xq28.
Variant type: single nucleotide variant.
Coding change: c.4710C>A on transcript NM_001110556.2 (MANE Select); coding-DNA position 4710, C replaced by A.
Protein change: p.Ile1570=; no amino-acid change (isoleucine 1570 retained).
Molecular consequence: synonymous variant.
Genome position (GRCh38, 1-based): chrX:154,358,244, G>T on the plus strand (C>A on the coding strand, the complement: FLNA is on the minus strand). VCF-style: chrX-154358244-G-T. GRCh37 (hg19) VCF-style: chrX-153586612-G-T.
Other names: c.4710C>A, p.Ile1570= (NM_001456.4); c.4710C>A (NM_001110556.1).
Identifiers: ClinVar variation 953526 (VCV000953526.15), dbSNP rs1001333218, ClinGen allele CA519707589.